The following is an entry in ClinVar:

ClinVar aggregate classification (germline): Uncertain significance (1 of 4 stars; one submission).

Conditions:
Hereditary cancer-predisposing syndrome. Also called: Neoplastic Syndromes, Hereditary; Hereditary Cancer Syndrome; Tumor predisposition; Hereditary neoplastic syndrome. Identifiers: Orphanet 140162, MedGen C0027672, MeSH D009386, MONDO:0015356.

Submission:

Ambry Genetics
Classification: Uncertain significance for Hereditary cancer-predisposing syndrome. Last evaluated: 2025-02-27. Review status: criteria provided, single submitter. Criteria: Ambry Variant Classification Scheme 2023. Collection method: clinical testing. Allele origin: germline.
Comment: The p.D954E variant (also known as c.2862C>G), located in coding exon 17 of the PTCH1 gene, results from a C to G substitution at nucleotide position 2862. The aspartic acid at codon 954 is replaced by glutamic acid, an amino acid with highly similar properties. This amino acid position is conserved. In addition, this alteration is predicted to be deleterious by in silico analysis. Based on the available evidence, the clinical significance of this variant remains unclear.

NM_000264.5(PTCH1):c.2862C>G (p.Asp954Glu)

Gene: PTCH1 (patched 1; minus strand). Cytogenetic location: 9q22.32.
Variant type: single nucleotide variant.
Coding change: c.2862C>G on transcript NM_000264.5 (MANE Select); coding-DNA position 2862, C replaced by G.
Protein change: p.Asp954Glu; replaces aspartic acid 954 with glutamic acid.
Molecular consequence: missense variant. On other transcripts: non-coding transcript variant (1).
Genome position (GRCh38, 1-based): chr9:95,459,625, G>C on the plus strand (C>G on the coding strand, the complement: PTCH1 is on the minus strand). VCF-style: chr9-95459625-G-C. GRCh37 (hg19) VCF-style: chr9-98221907-G-C.
Other names: c.2664C>G, p.Asp888Glu (NM_001083602.3); c.2859C>G, p.Asp953Glu (NM_001083603.3); c.2409C>G, p.Asp803Glu (NM_001083604.3, NM_001083605.3, NM_001083606.3 and 1 more transcripts); c.2706C>G, p.Asp902Glu (NM_001354918.2); short protein forms D953E, D803E, D888E, D902E, D954E.
Identifiers: ClinVar variation 3784672 (VCV003784672.1).